The following is an entry in ClinVar:

NM_001127222.2(CACNA1A):c.1082+1G>A

Genes: CACNA1A (calcium voltage-gated channel subunit alpha1 A; minus strand), LOC126862866 (MED14-independent group 3 enhancer GRCh37_chr19:13445719-13446918; plus strand). Cytogenetic location: 19p13.13.
Variant type: single nucleotide variant.
Coding change: c.1082+1G>A on transcript NM_001127222.2 (MANE Select); the canonical splice donor site of the intron after coding-DNA position 1082, G replaced by A.
Molecular consequence: splice donor variant.
Genome position (GRCh38, 1-based): chr19:13,335,805, C>T on the plus strand (G>A on the coding strand, the complement: CACNA1A is on the minus strand). VCF-style: chr19-13335805-C-T. GRCh37 (hg19) VCF-style: chr19-13446619-C-T.
Other names: c.1082+1G>A (NM_001127221.2, NM_001174080.2, NM_000068.4 and 1 more transcripts).
Identifiers: ClinVar variation 476232 (VCV000476232.11), dbSNP rs1272886269, ClinGen allele CA404346656.

ClinVar aggregate classification (germline): Pathogenic. Review status: criteria provided, multiple submitters, no conflicts (2 of 4 stars). 2 submissions from 2 submitters: Pathogenic (2). Last evaluated 2025-10-08.

Conditions:
Developmental and epileptic encephalopathy, 42 (DEE42A). Also called: DEVELOPMENTAL AND EPILEPTIC ENCEPHALOPATHY 42A; EPILEPTIC ENCEPHALOPATHY, EARLY INFANTILE, 42A; Epileptic encephalopathy, early infantile, 42. Identifiers: MedGen C4310716, MONDO:0014917, OMIM 617106.
Episodic ataxia type 2 (EA2). Also called: ACETAZOLAMIDE-RESPONSIVE HEREDITARY PAROXYSMAL CEREBELLAR ATAXIA; ATAXIA, EPISODIC, WITH NYSTAGMUS; ATAXIA, FAMILIAL PAROXYSMAL; CEREBELLAR ATAXIA, PAROXYSMAL, ACETAZOLAMIDE-RESPONSIVE; CEREBELLOPATHY, HEREDITARY PAROXYSMAL; EPISODIC ATAXIA, NYSTAGMUS-ASSOCIATED. Identifiers: Orphanet 97, MedGen C1720416, MONDO:0007163, OMIM 108500.

Allele frequency attached by ClinVar (database versions not stated): gnomAD exomes below 0.00001.
gnomAD v4.1: 1 of 1,601,252 alleles (0.000062%); highest among the groups gnomAD compares: Non-Finnish European, 0.000085%; no homozygotes.

Submissions (2):

GeneDx
Classification: Pathogenic. Last evaluated: 2025-10-08. Review status: criteria provided, single submitter. Criteria: GeneDx Variant Classification Process June 2021. Collection method: clinical testing. Allele origin: germline.
Comment: Observed as a heterozygous variant in a patient from a large cohort of individuals with epilepsy in published literature (PMID: 31440721); Canonical splice site variant predicted to result in a null allele in a gene for which loss of function is a known mechanism of disease; Not observed at significant frequency in large population cohorts (gnomAD); This variant is associated with the following publications: (PMID: 31440721)

Labcorp Genetics (formerly Invitae), Labcorp
Classification: Pathogenic for Developmental and epileptic encephalopathy, 42; Episodic ataxia type 2. Last evaluated: 2024-09-27. Review status: criteria provided, single submitter. Criteria: Invitae Variant Classification Sherloc (09022015). Collection method: clinical testing. Allele origin: germline.
Comment: This sequence change affects a donor splice site in intron 7 of the CACNA1A gene. It is expected to disrupt RNA splicing. Variants that disrupt the donor or acceptor splice site typically lead to a loss of protein function (PMID: 16199547), and loss-of-function variants in CACNA1A are known to be pathogenic (PMID: 10371528, 19486177, 25735478, 27250579). The frequency data for this variant in the population databases is considered unreliable, as metrics indicate poor data quality at this position in the gnomAD database. Disruption of this splice site has been observed in individual(s) with clinical features of CACNA1A-related disease (internal data). It has also been observed to segregate with disease in related individuals. ClinVar contains an entry for this variant (Variation ID: 476232). Algorithms developed to predict the effect of sequence changes on RNA splicing suggest that this variant may disrupt the consensus splice site. For these reasons, this variant has been classified as Pathogenic.

Literature cited by the submitters: PubMed 16199547 (cited by Labcorp Genetics (formerly Invitae), Labcorp); PubMed 10371528 (cited by Labcorp Genetics (formerly Invitae), Labcorp); PubMed 19486177 (cited by Labcorp Genetics (formerly Invitae), Labcorp); PubMed 25735478 (cited by Labcorp Genetics (formerly Invitae), Labcorp); PubMed 27250579 (cited by Labcorp Genetics (formerly Invitae), Labcorp).